The following is an entry in ClinVar:

ClinVar aggregate classification (germline): Uncertain significance (1 of 4 stars; one submission).

gnomAD v4.1: 14 of 1,191,305 alleles (0.0012%); highest among the groups gnomAD compares: Non-Finnish European, 0.0016%; no homozygotes.

Submission:

GeneDx
Classification: Uncertain significance. Last evaluated: 2024-02-20. Review status: criteria provided, single submitter. Criteria: GeneDx Variant Classification Process June 2021. Collection method: clinical testing. Allele origin: germline. Affected: yes.
Comment: Not observed at significant frequency in large population cohorts (gnomAD); In silico analysis supports that this missense variant does not alter protein structure/function; Has not been previously published as pathogenic or benign to our knowledge

NM_020922.5(WNK3):c.1186A>G (p.Ile396Val)

Gene: WNK3 (WNK lysine deficient protein kinase 3; minus strand). Cytogenetic location: Xp11.22.
Variant type: single nucleotide variant.
Coding change: c.1186A>G on transcript NM_020922.5 (MANE Select); coding-DNA position 1186, A replaced by G.
Protein change: p.Ile396Val; replaces isoleucine 396 with valine.
Molecular consequence: missense variant.
Genome position (GRCh38, 1-based): chrX:54,298,387, T>C on the plus strand (A>G on the coding strand, the complement: WNK3 is on the minus strand). VCF-style: chrX-54298387-T-C. GRCh37 (hg19) VCF-style: chrX-54324820-T-C.
Other names: c.1186A>G, p.Ile396Val (NM_001395166.1, NM_001002838.4); short protein forms I396V.
Identifiers: ClinVar variation 3369418 (VCV003369418.1).